The following is an entry in ClinVar:

NM_002226.5(JAG2):c.2847C>T (p.Cys949=)

Gene: JAG2 (jagged canonical Notch ligand 2; minus strand). Cytogenetic location: 14q32.33.
Variant type: single nucleotide variant.
Coding change: c.2847C>T on transcript NM_002226.5 (MANE Select); coding-DNA position 2847, C replaced by T.
Protein change: p.Cys949=; no amino-acid change (cysteine 949 retained).
Molecular consequence: synonymous variant.
Genome position (GRCh38, 1-based): chr14:105,145,836, G>A on the plus strand (C>T on the coding strand, the complement: JAG2 is on the minus strand). VCF-style: chr14-105145836-G-A. GRCh37 (hg19) VCF-style: chr14-105612173-G-A.
Other names: p.Cys949=; c.2847C>T (NM_002226.4); c.2733C>T, p.Cys911= (NM_145159.3).
Identifiers: ClinVar variation 4683946 (VCV004683946.2).
Genomic context (GRCh38, chr14:105,145,836, plus strand): 5'-GTTATTGTCCAGGTGGCCGGAGCGTGGCAGGCAGGGGGTGCTCGGTGGCTCTTCTGCGCC[G>A]CACTCCCCCCAGGCCTCACAGGGTGGTCGCAGACACTGGCCTGGGGCCTTCTCCAGGCAC-3'
Protein context (NP_002217.3, residues 939-959): LRPPCEAWGE[Cys949=]GAEEPPSTPC

ClinVar aggregate classification (germline): Likely benign. Review status: criteria provided, multiple submitters, no conflicts (2 of 4 stars). 2 submissions from 2 submitters: Likely benign (2). Last evaluated 2026-02-25.

Conditions:
JAG2-related disorder. Also called: JAG2-related condition.

gnomAD v4.1: 89 of 1,562,396 alleles (0.0057%); highest among the groups gnomAD compares: East Asian, 0.014%; no homozygotes.

Submissions (2):

PreventionGenetics, part of Exact Sciences
Classification: Likely benign for JAG2-related condition. Last evaluated: 2026-02-25. Review status: criteria provided, single submitter. Criteria: ACMG Guidelines, 2015. Collection method: clinical testing. Allele origin: germline.
Comment: This variant is classified as likely benign based on ACMG/AMP sequence variant interpretation guidelines (Richards et al. 2015 PMID: 25741868, with internal and published modifications).

Mayo Clinic Laboratories, Mayo Clinic
Classification: Likely benign. Last evaluated: 2025-02-12. Review status: criteria provided, single submitter. Criteria: ACMG Guidelines, 2015. Collection method: clinical testing. Allele origin: germline. Observed: 1 variant allele.
Comment: BP4, BP7